The following is an entry in ClinVar:

ClinVar aggregate classification (germline): Pathogenic (1 of 4 stars; one submission).

Submission:

GeneDx
Classification: Pathogenic. Last evaluated: 2015-04-07. Review status: criteria provided, single submitter. Criteria: GeneDx Variant Classification (06012015). Collection method: clinical testing. Allele origin: germline. Affected: yes.
Comment: The c.362delA variant is predicted to cause loss of normal protein function either through protein truncation or nonsense-mediated mRNA decay. Although this deletion has not been previously reportedto our knowledge, we interpret it as a pathogenic variant.

NM_000127.3(EXT1):c.362del (p.Gln121fs)

Gene: EXT1 (exostosin glycosyltransferase 1; minus strand). Cytogenetic location: 8q24.11.
Variant type: Deletion.
Coding change: c.362del on transcript NM_000127.3 (MANE Select); coding-DNA position 362, one base deleted (A; older notation c.362delA).
Protein change: p.Gln121fs; shifts the reading frame from glutamine 121.
Molecular consequence: frameshift variant.
Genome position (GRCh38, 1-based): chr8:118,110,685, T deleted on the plus strand (A on the coding strand, the reverse complement: EXT1 is on the minus strand). VCF-style (leftmost placement, unchanged base first): chr8-118110684-CT-C. GRCh37 (hg19) VCF-style: chr8-119122923-CT-C.
Other names: c.362delA (NM_000127.2); short protein forms Q121fs.
Identifiers: ClinVar variation 418834 (VCV000418834.2), dbSNP rs1064793465, ClinGen allele CA16618591.